The following is an entry in ClinVar:

NM_001385875.1(ZFYVE27):c.1006G>A (p.Glu336Lys)

Gene: ZFYVE27 (zinc finger FYVE-type containing 27; plus strand). Cytogenetic location: 10q24.2.
Variant type: single nucleotide variant.
Coding change: c.1006G>A on transcript NM_001385875.1 (MANE Select); coding-DNA position 1006, G replaced by A.
Protein change: p.Glu336Lys; replaces glutamic acid 336 with lysine.
Molecular consequence: missense variant. On other transcripts: non-coding transcript variant (17).
Genome position (GRCh38, 1-based): chr10:97,753,146, G>A. VCF-style: chr10-97753146-G-A. GRCh37 (hg19) VCF-style: chr10-99512903-G-A.
Other names: c.1021G>A, p.Glu341Lys (NM_001002261.4, NM_001385871.1); c.985G>A, p.Glu329Lys (NM_001002262.4, NM_001385880.1, NM_001385881.1 and 2 more transcripts); c.889G>A, p.Glu297Lys (NM_001174119.2, NM_001385889.1); c.727G>A, p.Glu243Lys (NM_001174120.2); c.706G>A, p.Glu236Lys (NM_001174121.2, NM_001385915.1); c.631G>A, p.Glu211Lys (NM_001174122.2); c.1039G>A, p.Glu347Lys (NM_001385876.1); c.1003G>A, p.Glu335Lys (NM_001385877.1); and 14 more; short protein forms E118K, E211K, E218K, E236K, E243K, E248K, E250K, E255K.
Identifiers: ClinVar variation 4848039 (VCV004848039.1).

ClinVar aggregate classification (germline): Uncertain significance (1 of 4 stars; one submission).

gnomAD v4.1: 1 of 1,611,840 alleles (0.000062%); highest among the groups gnomAD compares: African/African-American, 0.0013%; no homozygotes.

Submission:

Women's Health and Genetics/Laboratory Corporation of America, LabCorp
Classification: Uncertain significance. Last evaluated: 2026-02-04. Review status: criteria provided, single submitter. Criteria: LabCorp Variant Classification Summary - May 2015. Collection method: clinical testing. Allele origin: germline.
Comment: Variant summary: ZFYVE27 c.1021G>A (p.Glu341Lys) results in a conservative amino acid change in the encoded protein sequence. Algorithms developed to predict the effect of missense changes on protein structure and function are either unavailable or do not agree on the potential impact of this missense change. The variant allele was found at a frequency of 4.1e-06 in 241726 control chromosomes. The available data on variant occurrences in the general population are insufficient to allow any conclusion about variant significance. To our knowledge, no occurrence of c.1021G>A in individuals affected with ZFYVE27-related conditions and no experimental evidence demonstrating its impact on protein function have been reported. No submitters have cited clinical-significance assessments for this variant to ClinVar. Based on the evidence outlined above, the variant was classified as uncertain significance.